The following is an entry in ClinVar:

NM_014846.4(WASHC5):c.672G>T (p.Met224Ile)

Gene: WASHC5 (WASH complex subunit 5; minus strand). Cytogenetic location: 8q24.13.
Variant type: single nucleotide variant.
Coding change: c.672G>T on transcript NM_014846.4 (MANE Select); coding-DNA position 672, G replaced by T.
Protein change: p.Met224Ile; replaces methionine 224 with isoleucine.
Molecular consequence: missense variant.
Genome position (GRCh38, 1-based): chr8:125,078,777, C>A on the plus strand (G>T on the coding strand, the complement: WASHC5 is on the minus strand). VCF-style: chr8-125078777-C-A. GRCh37 (hg19) VCF-style: chr8-126091019-C-A.
Other names: c.228G>T, p.Met76Ile (NM_001330609.2); short protein forms M224I, M76I.
Identifiers: ClinVar variation 2923730 (VCV002923730.3), dbSNP rs748469220, ClinGen allele CA372196226.
Genomic context (GRCh38, chr8:125,078,777, plus strand): 5'-CTTAATAGATTTAATTCCCACCTGGTTGTAAATATCATCAGATCTCAGTCGACCAATGAC[C>A]ATACTGATGAAGGATTCGTTGATAGGCACTCTCTGGAAATAGCTCTCGGGATAGTTGGAT-3'
Protein context (NP_055661.3, residues 214-234): RVPINESFIS[Met224Ile]VIGRLRSDDI

ClinVar aggregate classification (germline): Uncertain significance (1 of 4 stars; one submission).

Conditions:
Hereditary spastic paraplegia 8 (SPG8). Also called: SPASTIC PARAPLEGIA 8, AUTOSOMAL DOMINANT. Identifiers: Orphanet 100989, MedGen C1863704, MONDO:0011339, OMIM 603563.
Ritscher-Schinzel syndrome. Also called: CRANIOCEREBELLOCARDIAC DYSPLASIA. Identifiers: Orphanet 7, MedGen C0796137, MONDO:0019078.

Allele frequency attached by ClinVar (database versions not stated): TOPMed 0.00001.
gnomAD v4.1: 2 of 1,613,790 alleles (0.00012%); highest among the groups gnomAD compares: African/African-American, 0.0027%; no homozygotes.

Submission:

Labcorp Genetics (formerly Invitae), Labcorp
Classification: Uncertain significance for Ritscher-Schinzel syndrome; Hereditary spastic paraplegia 8. Last evaluated: 2024-05-20. Review status: criteria provided, single submitter. Criteria: Invitae Variant Classification Sherloc (09022015). Collection method: clinical testing. Allele origin: germline.
Comment: This sequence change replaces methionine, which is neutral and non-polar, with isoleucine, which is neutral and non-polar, at codon 224 of the WASHC5 protein (p.Met224Ile). This variant is not present in population databases (gnomAD no frequency). This variant has not been reported in the literature in individuals affected with WASHC5-related conditions. Advanced modeling of protein sequence and biophysical properties (such as structural, functional, and spatial information, amino acid conservation, physicochemical variation, residue mobility, and thermodynamic stability) performed at Invitae indicates that this missense variant is not expected to disrupt WASHC5 protein function with a negative predictive value of 80%. In summary, the available evidence is currently insufficient to determine the role of this variant in disease. Therefore, it has been classified as a Variant of Uncertain Significance.